The following is an entry in ClinVar:

ClinVar aggregate classification (germline): Uncertain significance (1 of 4 stars; one submission).

Submission:

GeneDx
Classification: Uncertain significance. Last evaluated: 2026-06-02. Review status: criteria provided, single submitter. Criteria: GeneDx Variant Classification Process June 2021. Collection method: clinical testing. Allele origin: germline.
Comment: Not observed at significant frequency in large population cohorts (gnomAD); In silico analysis supports that this missense variant has a deleterious effect on protein structure/function; Has not been previously published as pathogenic or benign to our knowledge

NM_178014.4(TUBB):c.50G>T (p.Gly17Val)

Gene: TUBB (tubulin beta class I; plus strand). Cytogenetic location: 6p21.33.
Variant type: single nucleotide variant.
Coding change: c.50G>T on transcript NM_178014.4 (MANE Select); coding-DNA position 50, G replaced by T.
Protein change: p.Gly17Val; replaces glycine 17 with valine.
Molecular consequence: missense variant. On other transcripts: non-coding transcript variant (1), intron variant (1).
Genome position (GRCh38, 1-based): chr6:30,720,556, G>T. VCF-style: chr6-30720556-G-T. GRCh37 (hg19) VCF-style: chr6-30688333-G-T.
Other names: c.50G>T, p.Gly17Val (NM_001293213.2); c.34+16G>T (NM_001293214.2); short protein forms G17V.
Identifiers: ClinVar variation 3365780 (VCV003365780.2).